The following is an entry in ClinVar:

ClinVar aggregate classification (germline): Pathogenic (1 of 4 stars; one submission).

Conditions:
Familial focal epilepsy with variable foci (FPEVF). Identifiers: Orphanet 98820, MedGen C1858477, MONDO:0020310.

Submission:

Labcorp Genetics (formerly Invitae), Labcorp
Classification: Pathogenic for Familial focal epilepsy with variable foci. Last evaluated: 2023-07-15. Review status: criteria provided, single submitter. Criteria: Invitae Variant Classification Sherloc (09022015). Collection method: clinical testing. Allele origin: germline.
Comment: For these reasons, this variant has been classified as Pathogenic. This variant has not been reported in the literature in individuals affected with DEPDC5-related conditions. This variant is not present in population databases (gnomAD no frequency). This sequence change creates a premature translational stop signal (p.Asp1089Glyfs*72) in the DEPDC5 gene. It is expected to result in an absent or disrupted protein product. Loss-of-function variants in DEPDC5 are known to be pathogenic (PMID: 23542697, 23542701).

Literature cited by the submitters: PubMed 23542697; PubMed 23542701.

NM_001242896.3(DEPDC5):c.3260dup (p.Asp1089fs)

Gene: DEPDC5 (DEP domain containing 5, GATOR1 subcomplex subunit; plus strand). Cytogenetic location: 22q12.3.
Variant type: Duplication.
Coding change: c.3260dup on transcript NM_001242896.3 (MANE Select); coding-DNA position 3260, one base duplicated (G; older notation c.3260dupG).
Protein change: p.Asp1089fs; shifts the reading frame from aspartic acid 1089.
Molecular consequence: frameshift variant. On other transcripts: non-coding transcript variant (5).
Genome position (GRCh38, 1-based): chr22:31,857,549, G duplicated. VCF-style (leftmost placement, unchanged base first): chr22-31857548-C-CG. GRCh37 (hg19) VCF-style: chr22-32253534-C-CG.
Other names: c.3233dup, p.Val1080fs (NM_001369903.1, NM_014662.6); c.3233dup, p.Asp1080fs (NM_001136029.4); c.3026dup, p.Val1011fs (NM_001242897.2); c.3260dup, p.Val1089fs (NM_001363852.2, NM_001364320.2); c.3026dup, p.Asp1011fs (NM_001363854.2, NM_001364319.2); c.3260dup, p.Asp1089fs (NM_001364318.2); c.3176dup, p.Asp1061fs (NM_001369901.1, NM_001369902.1); short protein forms D1011fs, V1011fs, V1080fs, D1061fs, D1080fs, V1089fs, D1089fs.
Identifiers: ClinVar variation 2743422 (VCV002743422.3), dbSNP rs2521250676, ClinGen allele CA2697552710.